The following is an entry in ClinVar:

NM_000208.4(INSR):c.3937G>A (p.Glu1313Lys)

Gene: INSR (insulin receptor; minus strand). Cytogenetic location: 19p13.2.
Variant type: single nucleotide variant.
Coding change: c.3937G>A on transcript NM_000208.4 (MANE Select); coding-DNA position 3937, G replaced by A.
Protein change: p.Glu1313Lys; replaces glutamic acid 1313 with lysine.
Molecular consequence: missense variant.
Genome position (GRCh38, 1-based): chr19:7,117,268, C>T on the plus strand (G>A on the coding strand, the complement: INSR is on the minus strand). VCF-style: chr19-7117268-C-T. GRCh37 (hg19) VCF-style: chr19-7117279-C-T.
Other names: c.3901G>A, p.Glu1301Lys (NM_001079817.3); short protein forms E1301K, E1313K.
Identifiers: ClinVar variation 1486096 (VCV001486096.6), dbSNP rs759636582, ClinGen allele CA9135116.

ClinVar aggregate classification (germline): Uncertain significance (1 of 4 stars; one submission).

Allele frequency attached by ClinVar (database versions not stated): ExAC 0.00001; gnomAD exomes 0.00001.
gnomAD v4.1: 8 of 1,614,206 alleles (0.0005%); highest among the groups gnomAD compares: East Asian, 0.0045%; no homozygotes.

Submission:

Labcorp Genetics (formerly Invitae), Labcorp
Classification: Uncertain significance. Last evaluated: 2021-12-02. Review status: criteria provided, single submitter. Criteria: Invitae Variant Classification Sherloc (09022015). Collection method: clinical testing. Allele origin: germline.
Comment: In summary, the available evidence is currently insufficient to determine the role of this variant in disease. Therefore, it has been classified as a Variant of Uncertain Significance. Advanced modeling of protein sequence and biophysical properties (such as structural, functional, and spatial information, amino acid conservation, physicochemical variation, residue mobility, and thermodynamic stability) performed at Invitae indicates that this missense variant is not expected to disrupt INSR protein function. This variant has not been reported in the literature in individuals affected with INSR-related conditions. This variant is present in population databases (rs759636582, gnomAD 0.004%). This sequence change replaces glutamic acid with lysine at codon 1313 of the INSR protein (p.Glu1313Lys). The glutamic acid residue is moderately conserved and there is a small physicochemical difference between glutamic acid and lysine.